The following is an entry in ClinVar:

ClinVar aggregate classification (germline): Benign/Likely benign. Review status: criteria provided, multiple submitters, no conflicts (2 of 4 stars). 19 submissions from 19 submitters: Benign (6); Likely benign (7). 6 of the submissions do not count toward it. Last evaluated 2026-05-01.

Conditions:
DSG2-related disorder. Also called: DSG2-related condition.
Cardiovascular phenotype. Identifiers: MedGen CN230736.
Arrhythmogenic right ventricular cardiomyopathy (ARVD). Also called: Arrhythmogenic Right Ventricular Cardiomyopathy (ARVC); Cardiomyopathy, ARVC; Arrhythmogenic cardiomyopathy; Arrhythmogenic right ventricular dysplasia. Identifiers: Orphanet 247, MedGen C0349788, MeSH D019571, MONDO:0016587. Disease mechanism: loss of function. Inheritance: Various modes of inheritance.
Cardiomyopathy (CMYO). Also called: Cardiomyopathies. Identifiers: Orphanet 167848, MedGen C0878544, MONDO:0004994, HP:0001638. Inheritance: Various modes of inheritance.
Arrhythmogenic right ventricular dysplasia 10. Also called: Arrhythmogenic Right Ventricular Dysplasia/Cardiomyopathy10; ARRHYTHMOGENIC RIGHT VENTRICULAR DYSPLASIA, FAMILIAL, 10; Arrhythmogenic right ventricular dysplasia/cardiomyopathy, type 10. Identifiers: MedGen C1857777, MONDO:0012434, OMIM 610193.

Allele frequency attached by ClinVar (database versions not stated): 1000 Genomes Project 0.00060; 1000 Genomes Project 30x 0.00094; TOPMed 0.00105; ESP Exome Variant Server 0.00148; gnomAD 0.00190 and 0.00193; gnomAD exomes 0.00198 and 0.00950; ExAC 0.00476.
gnomAD v4.1: 2,457 of 1,260,138 alleles (0.19%); highest among the groups gnomAD compares: South Asian, 0.37%; 12 homozygotes.

Submissions (19):

CeGaT Center for Human Genetics Tuebingen
Classification: Likely benign. Last evaluated: 2026-05-01. Review status: criteria provided, single submitter. Criteria: CeGaT Center For Human Genetics Tuebingen Variant Classification Criteria Version 2. Collection method: clinical testing. Allele origin: germline. Affected: yes. Observed: 8 variant alleles.
Comment: DSG2: BP4, BP7

Labcorp Genetics (formerly Invitae), Labcorp
Classification: Likely benign for Arrhythmogenic right ventricular dysplasia 10. Last evaluated: 2026-02-03. Review status: criteria provided, single submitter. Criteria: Invitae Variant Classification Sherloc (09022015). Collection method: clinical testing. Allele origin: germline.

Blueprint Genetics
Classification: Likely benign. Last evaluated: 2024-11-21. Review status: criteria provided, single submitter. Criteria: ACMG Guidelines, 2015. Collection method: clinical testing. Allele origin: germline.

All of Us Research Program, National Institutes of Health
Classification: Benign for Arrhythmogenic right ventricular cardiomyopathy. Last evaluated: 2024-02-05. Review status: criteria provided, single submitter. Criteria: ACMG Guidelines, 2015. Collection method: clinical testing. Allele origin: germline. Inheritance: Autosomal dominant inheritance. Observed: 309 variant alleles, 309 heterozygotes.
Comment: This study involves interpretation of variants in research participants for the purpose of population health screening. Participant phenotype was not available at the time of variant classification. Additional details can be found in publication PMID: 35346344, PMCID: PMC8962531

CHEO Genetics Diagnostic Laboratory, Children's Hospital of Eastern Ontario
Classification: Benign for Cardiomyopathy. Last evaluated: 2022-11-16. Review status: criteria provided, single submitter. Criteria: ACMG Guidelines, 2015. Collection method: clinical testing. Allele origin: germline.

Color Diagnostics, LLC DBA Color Health
Classification: Benign for Cardiomyopathy. Last evaluated: 2018-08-12. Review status: criteria provided, single submitter. Criteria: ACMG Guidelines, 2015. Collection method: clinical testing. Allele origin: germline.

ARUP Laboratories, Molecular Genetics and Genomics, ARUP Laboratories
Classification: Benign. Last evaluated: 2018-06-12. Review status: criteria provided, single submitter. Criteria: ARUP Molecular Germline Variant Investigation Process. Collection method: clinical testing. Allele origin: germline.

Women's Health and Genetics/Laboratory Corporation of America, LabCorp
Classification: Benign. Last evaluated: 2018-05-08. Review status: criteria provided, single submitter. Criteria: LabCorp Variant Classification Summary - May 2015. Collection method: clinical testing. Allele origin: germline.
Comment: Variant summary: DSG2 c.6G>A alters a non-conserved nucleotide resulting in a synonymous change. 5/5 computational tools predict no significant impact on normal splicing. However, these predictions have yet to be confirmed by functional studies. The variant allele was found at a frequency of 0.0051 in 45050 control chromosomes in the gnomAD database, including 3 homozygotes. The observed variant frequency is approximately 500 fold of the estimated maximal expected allele frequency for a pathogenic variant in DSG2 causing Arrhythmia phenotype (1e-05), strongly suggesting that the variant is benign. c.6G>A has been reported in the literature in an individual affected with Arrhythmia (Lahtinen 2011). This report however does not provide unequivocal conclusions about association of the variant with Arrhythmia. Co-occurrence with another pathogenic variant have been found in our internal database (KCNH2 c.1841C>T, p.Ala614Val), providing supporting evidence for a benign role. To our knowledge, no experimental evidence demonstrating an impact on protein function has been reported. Four clinical diagnostic laboratories have submitted clinical-significance assessments for this variant to ClinVar after 2014 (three of them calling it 'likely benign' and one classifying it as a 'VUS') without evidence for independent evaluation. Based on the evidence outlined above, the variant was classified as benign.

Illumina Laboratory Services, Illumina
Classification: Likely benign for Arrhythmogenic right ventricular dysplasia 10. Last evaluated: 2018-03-19. Review status: criteria provided, single submitter. Criteria: ICSL Variant Classification Criteria 13 December 2019. Collection method: clinical testing. Allele origin: germline.
Comment: This variant was observed as part of a predisposition screen in an ostensibly healthy population. A literature search was performed for the gene, cDNA change, and amino acid change (where applicable). Publications were found based on this search. The evidence from the literature, in combination with allele frequency data from public databases where available, was sufficient to determine this variant is unlikely to cause disease. Therefore, this variant is classified as likely benign.

Ambry Genetics
Classification: Likely benign for Cardiovascular phenotype. Last evaluated: 2015-07-09. Review status: criteria provided, single submitter. Criteria: Ambry Variant Classification Scheme 2023. Collection method: clinical testing. Allele origin: germline.

GeneDx
Classification: Benign. Last evaluated: 2013-10-03. Review status: criteria provided, single submitter. Criteria: GeneDx Variant Classification (06012015). Collection method: clinical testing. Allele origin: germline. Affected: yes.
Comment: This variant is considered likely benign or benign based on one or more of the following criteria: it is a conservative change, it occurs at a poorly conserved position in the protein, it is predicted to be benign by multiple in silico algorithms, and/or has population frequency not consistent with disease.

Laboratory for Molecular Medicine, Mass General Brigham Personalized Medicine
Classification: Likely benign. Last evaluated: 2013-04-20. Review status: criteria provided, single submitter. Criteria: LMM Criteria. Collection method: clinical testing. Allele origin: germline. Observed: 6 variant alleles.
Comment: Ala2Ala in exon 1 of DSG2: This variant is not expected to have clinical signifi cance because it does not alter an amino acid residue and is not located within the splice consensus sequence. It has been identified in 0.2% (14/7372) of Europ ean American chromosomes from a broad population by the NHLBI Exome Sequencing P roject. Ala2Ala in exon 1 of DSG2 (allele fr equency = 0.2%, 14/7372) **

Breakthrough Genomics
Classification: Likely benign. Review status: criteria provided, single submitter. Criteria: ACMG Guidelines, 2015. Collection method: not provided. Allele origin: germline. Inheritance: Autosomal recessive inheritance. Affected: yes.

PreventionGenetics, part of Exact Sciences
Classification: Benign for DSG2-related condition. Last evaluated: 2019-04-08. Review status: no assertion criteria provided. Collection method: clinical testing. Allele origin: germline. Not counted in ClinVar's aggregate classification.
Comment: This variant is classified as benign based on ACMG/AMP sequence variant interpretation guidelines (Richards et al. 2015 PMID: 25741868, with internal and published modifications).

Clinical Genetics DNA and cytogenetics Diagnostics Lab, Erasmus MC, Erasmus Medical Center
Classification: Likely benign. Review status: no assertion criteria provided. Collection method: clinical testing. Allele origin: germline. Affected: yes. Study: VKGL Data-share Consensus. Not counted in ClinVar's aggregate classification.

Clinical Genetics, Academic Medical Center
Classification: Benign. Review status: no assertion criteria provided. Collection method: clinical testing. Allele origin: germline. Affected: yes. Study: VKGL Data-share Consensus. Not counted in ClinVar's aggregate classification.

Diagnostic Laboratory, Department of Genetics, University Medical Center Groningen
Classification: Likely benign. Review status: no assertion criteria provided. Collection method: clinical testing. Allele origin: germline. Affected: yes. Study: VKGL Data-share Consensus. Not counted in ClinVar's aggregate classification.

Genome Diagnostics Laboratory, University Medical Center Utrecht
Classification: Benign. Review status: no assertion criteria provided. Collection method: clinical testing. Allele origin: germline. Affected: yes. Study: VKGL Data-share Consensus. Not counted in ClinVar's aggregate classification.

Joint Genome Diagnostic Labs from Nijmegen and Maastricht, Radboudumc and MUMC+
Classification: Benign. Review status: no assertion criteria provided. Collection method: clinical testing. Allele origin: germline. Affected: yes. Study: VKGL Data-share Consensus. Not counted in ClinVar's aggregate classification.

Literature cited by the submitters: PubMed 21397041 (cited by Women's Health and Genetics/Laboratory Corporation of America, LabCorp and Illumina Laboratory Services, Illumina).

NM_001943.5(DSG2):c.6G>A (p.Ala2=)

Genes: DSG2 (desmoglein 2; plus strand), LOC130062340 (ATAC-STARR-seq lymphoblastoid silent region 9384; plus strand). Cytogenetic location: 18q12.1.
Variant type: single nucleotide variant.
Coding change: c.6G>A on transcript NM_001943.5 (MANE Select); coding-DNA position 6, G replaced by A.
Protein change: p.Ala2=; no amino-acid change (alanine 2 retained).
Molecular consequence: synonymous variant.
Genome position (GRCh38, 1-based): chr18:31,498,257, G>A. VCF-style: chr18-31498257-G-A. GRCh37 (hg19) VCF-style: chr18-29078220-G-A.
Identifiers: ClinVar variation 137166 (VCV000137166.75), dbSNP rs368809971, ClinGen allele CA022227.